The following is an entry in ClinVar:

ClinVar aggregate classification (germline): Uncertain significance. Review status: criteria provided, multiple submitters, no conflicts (2 of 4 stars). 2 submissions from 2 submitters: Uncertain significance (2). Last evaluated 2024-05-22.

Conditions:
Cataract 14 multiple types. Also called: CATARACT 14, ZONULAR PULVERULENT; CATARACT 14, NUCLEAR PULVERULENT; CATARACT 14, NUCLEAR PULVERULENT AND POSTERIOR POLAR; CATARACT 14, NUCLEAR CORALLIFORM; CATARACT 14, EMBRYONAL NUCLEAR; CATARACT 14, COPPOCK-LIKE. Identifiers: Orphanet 91492, MedGen C1866078, MONDO:0011162, OMIM 601885.

Submissions (2):

Dept. Genetics and Cancer, Menzies Institute for Medical Research, University of Tasmania
Classification: Uncertain significance for Cataract 14 multiple types. Last evaluated: 2024-05-22. Review status: criteria provided, single submitter. Criteria: ACMG Guidelines, 2015. Collection method: research. Allele origin: germline. Affected: yes. Observed: 1 variant allele.
Comment: GJA3 NM_021954.4:c.210C>G p.(Phe70Leu). ACMG-AMP criteria: PM2_Supp, PP3_Mod, PM1. Absent from population databases (gnomad v4.0), Multiple lines of computational evidence suggest a deleterious effect (REVEL=0.909), Located in hotspot (as defined in PMID:34360596).

Labcorp Genetics (formerly Invitae), Labcorp
Classification: Uncertain significance for Cataract 14 multiple types. Last evaluated: 2022-12-30. Review status: criteria provided, single submitter. Criteria: Invitae Variant Classification Sherloc (09022015). Collection method: clinical testing. Allele origin: germline.
Comment: In summary, the available evidence is currently insufficient to determine the role of this variant in disease. Therefore, it has been classified as a Variant of Uncertain Significance. Advanced modeling of protein sequence and biophysical properties (such as structural, functional, and spatial information, amino acid conservation, physicochemical variation, residue mobility, and thermodynamic stability) performed at Invitae indicates that this missense variant is expected to disrupt GJA3 protein function. This variant has not been reported in the literature in individuals affected with GJA3-related conditions. This variant is not present in population databases (gnomAD no frequency). This sequence change replaces phenylalanine, which is neutral and non-polar, with leucine, which is neutral and non-polar, at codon 70 of the GJA3 protein (p.Phe70Leu).

NM_021954.4(GJA3):c.210C>G (p.Phe70Leu)

Gene: GJA3 (gap junction protein alpha 3; minus strand). Cytogenetic location: 13q12.11.
Variant type: single nucleotide variant.
Coding change: c.210C>G on transcript NM_021954.4 (MANE Select); coding-DNA position 210, C replaced by G.
Protein change: p.Phe70Leu; replaces phenylalanine 70 with leucine.
Molecular consequence: missense variant.
Genome position (GRCh38, 1-based): chr13:20,143,079, G>C on the plus strand (C>G on the coding strand, the complement: GJA3 is on the minus strand). VCF-style: chr13-20143079-G-C. GRCh37 (hg19) VCF-style: chr13-20717218-G-C.
Other names: short protein forms F70L.
Identifiers: ClinVar variation 2577864 (VCV002577864.5), dbSNP rs1958822283, ClinGen allele CA387465331.
Genomic context (GRCh38, chr13:20,143,079, plus strand): 5'-GAGGGTGGGCGTGGACACGAAGATGATCTGCAGCGCCCAGAAGCGGATGTGGGAGATGGG[G>C]AAGGCCCTGTCGTAGCAGACGTTCTCGCAGCCCGGCTGCTGGGTGTTGCAGGTGAAGTCT-3'
Protein context (NP_068773.2, residues 60-80): GCENVCYDRA[Phe70Leu]PISHIRFWAL